The following is an entry in ClinVar:

NC_000023.10:g.(119681095_119691778)_(119694481_119708405)del

Gene: CUL4B (cullin 4B; minus strand). Cytogenetic location: Xq24.
Variant type: Deletion.
Identifiers: ClinVar variation 3629995 (VCV003629995.1).

ClinVar aggregate classification (germline): Pathogenic (1 of 4 stars; one submission).

Conditions:
X-linked intellectual disability Cabezas type (MRXSC). Also called: Intellectual developmental disorder, X-linked syndromic, Cabezas type; CABEZAS SYNDROME; MENTAL RETARDATION, X-LINKED, SYNDROMIC 15. Identifiers: Orphanet 85289, Orphanet 85293, MedGen C1845861, MONDO:0010306, OMIM 300354.

Submission:

Women's Health and Genetics/Laboratory Corporation of America, LabCorp
Classification: Pathogenic for X-linked intellectual disability Cabezas type. Last evaluated: 2024-11-19. Review status: criteria provided, single submitter. Criteria: LabCorp Variant Classification Summary - May 2015. Collection method: clinical testing. Allele origin: germline.
Comment: Variant summary: The variant involves the deletion of exons 3-4 in the CUL4B gene. A presumed nomenclature of c.(67+1_68-1)_(726+1_727-1)del has been designated for the purposes of this classification. This Copy Number Variant (CNV) is expected to alter the reading frame and predicted to result in a truncation or absence of the encoded protein due to nonsense mediated decay (NMD). The variant was absent in 16120 control chromosomes (gnomAD). To our knowledge, no occurrence of c.(67+1_68-1)_(726+1_727-1)del in individuals affected with X-linked intellectual disability Cabezas type and no experimental evidence demonstrating its impact on protein function have been reported. No submitters have cited clinical-significance assessments for this variant to ClinVar. Based on the evidence outlined above, the variant was classified as pathogenic.